The following is an entry in ClinVar:

ClinVar aggregate classification (germline): Uncertain significance (1 of 4 stars; one submission).

Conditions:
Cardiomyopathy (CMYO). Also called: Cardiomyopathies. Identifiers: Orphanet 167848, MedGen C0878544, MONDO:0004994, HP:0001638. Inheritance: Various modes of inheritance.

Submission:

Color Diagnostics, LLC DBA Color Health
Classification: Uncertain significance for Cardiomyopathy. Last evaluated: 2024-03-24. Review status: criteria provided, single submitter. Criteria: ACMG Guidelines, 2015. Collection method: clinical testing. Allele origin: germline.
Comment: This missense variant replaces asparagine with aspartic acid at codon 1501 of the RYR2 protein. Computational prediction suggests that this variant may not impact protein structure and function (internally defined REVEL score threshold <= 0.5, PMID: 27666373). To our knowledge, functional studies have not been reported for this variant. This variant has not been reported in individuals affected with RYR2-related disorders in the literature. This variant has not been identified in the general population by the Genome Aggregation Database (gnomAD). The available evidence is insufficient to determine the role of this variant in disease conclusively. Therefore, this variant is classified as a Variant of Uncertain Significance.

NM_001035.3(RYR2):c.4501A>G (p.Asn1501Asp)

Gene: RYR2 (ryanodine receptor 2; plus strand). Cytogenetic location: 1q43.
Variant type: single nucleotide variant.
Coding change: c.4501A>G on transcript NM_001035.3 (MANE Select); coding-DNA position 4501, A replaced by G.
Protein change: p.Asn1501Asp; replaces asparagine 1501 with aspartic acid.
Molecular consequence: missense variant.
Genome position (GRCh38, 1-based): chr1:237,595,562, A>G. VCF-style: chr1-237595562-A-G. GRCh37 (hg19) VCF-style: chr1-237758862-A-G.
Other names: short protein forms N1501D.
Identifiers: ClinVar variation 3893729 (VCV003893729.1).